The following is an entry in ClinVar:

NM_022893.4(BCL11A):c.952A>T (p.Arg318Ter)

Gene: BCL11A (BCL11 transcription factor A; minus strand). Cytogenetic location: 2p16.1.
Variant type: single nucleotide variant.
Coding change: c.952A>T on transcript NM_022893.4 (MANE Select); coding-DNA position 952, A replaced by T.
Protein change: p.Arg318Ter; replaces arginine 318 with a stop codon.
Molecular consequence: nonsense. On other transcripts: intron variant (1).
Genome position (GRCh38, 1-based): chr2:60,461,960, T>A on the plus strand (A>T on the coding strand, the complement: BCL11A is on the minus strand). VCF-style: chr2-60461960-T-A. GRCh37 (hg19) VCF-style: chr2-60689095-T-A.
Other names: c.850A>T, p.Arg284Ter (NM_001363864.1, NM_001365609.1); c.952A>T, p.Arg318Ter (NM_018014.4); c.630+322A>T (NM_138559.2); short protein forms R318*, R284*.
Identifiers: ClinVar variation 488995 (VCV000488995.2), dbSNP rs1553403551, ClinGen allele CA347039083.

ClinVar aggregate classification (germline): Pathogenic (1 of 4 stars; one submission).

Submission:

GeneDx
Classification: Pathogenic. Last evaluated: 2017-05-19. Review status: criteria provided, single submitter. Criteria: GeneDx Variant Classification (06012015). Collection method: clinical testing. Allele origin: germline. Affected: yes.
Comment: The R318X variant in the BCL11A gene has not been reported previously as a pathogenic variant noras a benign variant, to our knowledge. This variant is predicted to cause loss of normal proteinfunction either through protein truncation or nonsense-mediated mRNA decay. The R318X variant isnot observed in large population cohorts (Lek et al., 2016; 1000 Genomes Consortium et al., 2015;Exome Variant Server). We interpret R318X as a pathogenic variant